The following is an entry in ClinVar:

NM_000090.4(COL3A1):c.3186T>C (p.Gly1062=)

Gene: COL3A1 (collagen type III alpha 1 chain; plus strand). Cytogenetic location: 2q32.2.
Variant type: single nucleotide variant.
Coding change: c.3186T>C on transcript NM_000090.4 (MANE Select); coding-DNA position 3186, T replaced by C.
Protein change: p.Gly1062=; no amino-acid change (glycine 1062 retained).
Molecular consequence: synonymous variant.
Genome position (GRCh38, 1-based): chr2:189,006,437, T>C. VCF-style: chr2-189006437-T-C. GRCh37 (hg19) VCF-style: chr2-189871163-T-C.
Identifiers: ClinVar variation 2775140 (VCV002775140.3), dbSNP rs2469158243, ClinGen allele CA430312891.

ClinVar aggregate classification (germline): Likely benign. Review status: criteria provided, multiple submitters, no conflicts (2 of 4 stars). 2 submissions from 2 submitters: Likely benign (2). Last evaluated 2023-02-24.

Conditions:
Ehlers-Danlos syndrome, type 4 (EDSVASC). Also called: Ehlers-Danlos Syndrome Type IV; Ehlers-Danlos syndrome vascular type; Ehlers Danlos syndrome, ecchymotic type; Ehlers Danlos syndrome, arterial type; Ehlers Danlos syndrome, Sack-Barabas type. Identifiers: Orphanet 286, MedGen C0268338, MONDO:0017314, OMIM 130050.
Familial thoracic aortic aneurysm and aortic dissection (TAAD). Also called: Thoracic aortic aneurysms and dissections. Identifiers: Orphanet 91387, MedGen C4707243, MONDO:0019625.

Submissions (2):

All of Us Research Program, National Institutes of Health
Classification: Likely benign for Ehlers-Danlos syndrome, type 4. Last evaluated: 2023-02-24. Review status: criteria provided, single submitter. Criteria: ACMG Guidelines, 2015. Collection method: clinical testing. Allele origin: germline. Inheritance: Autosomal dominant inheritance. Observed: 1 variant allele, 1 heterozygote.
Comment: This study involves interpretation of variants in research participants for the purpose of population health screening. Participant phenotype was not available at the time of variant classification. Additional details can be found in publication PMID: 35346344, PMCID: PMC8962531

Color Diagnostics, LLC DBA Color Health
Classification: Likely benign for Familial thoracic aortic aneurysm and aortic dissection. Last evaluated: 2022-11-06. Review status: criteria provided, single submitter. Criteria: ACMG Guidelines, 2015. Collection method: clinical testing. Allele origin: germline.